The following is an entry in ClinVar:

NM_018941.4(CLN8):c.16G>C (p.Asp6His)

Gene: CLN8 (CLN8 transmembrane ER and ERGIC protein; plus strand). Cytogenetic location: 8p23.3.
Variant type: single nucleotide variant.
Coding change: c.16G>C on transcript NM_018941.4 (MANE Select); coding-DNA position 16, G replaced by C.
Protein change: p.Asp6His; replaces aspartic acid 6 with histidine.
Molecular consequence: missense variant.
Genome position (GRCh38, 1-based): chr8:1,771,070, G>C. VCF-style: chr8-1771070-G-C. GRCh37 (hg19) VCF-style: chr8-1719236-G-C.
Other names: p.D6H:GAT>CAT; short protein forms D6H.
Identifiers: ClinVar variation 205199 (VCV000205199.5), dbSNP rs200999640, ClinGen allele CA314029.

ClinVar aggregate classification (germline): Uncertain significance. Review status: criteria provided, multiple submitters, no conflicts (2 of 4 stars). 3 submissions from 3 submitters: Uncertain significance (2). 1 of the submissions does not count toward it. Last evaluated 2022-05-10.

Conditions:
Neuronal ceroid lipofuscinosis 8 (CLN8). Also called: CLN8-Related Neuronal Ceroid-Lipofuscinosis. Identifiers: Orphanet 168491, Orphanet 228354, Orphanet 79264, MedGen C1838570, MONDO:0010830, OMIM 600143.
Neuronal ceroid lipofuscinosis. Also called: Neuronal Ceroid Lipofuscinoses. Identifiers: Orphanet 216, Orphanet 79263, MedGen C0027877, MONDO:0016295. Disease mechanism: loss of function.

gnomAD v4.1: 2 of 1,614,068 alleles (0.00012%); highest among the groups gnomAD compares: Admixed American, 0.0017%; no homozygotes.

Submissions (3):

Labcorp Genetics (formerly Invitae), Labcorp
Classification: Uncertain significance for Neuronal ceroid lipofuscinosis. Last evaluated: 2022-05-10. Review status: criteria provided, single submitter. Criteria: Invitae Variant Classification Sherloc (09022015). Collection method: clinical testing. Allele origin: germline.
Comment: This sequence change replaces aspartic acid, which is acidic and polar, with histidine, which is basic and polar, at codon 6 of the CLN8 protein (p.Asp6His). This variant is not present in population databases (gnomAD no frequency). This variant has not been reported in the literature in individuals affected with CLN8-related conditions. ClinVar contains an entry for this variant (Variation ID: 205199). Advanced modeling of protein sequence and biophysical properties (such as structural, functional, and spatial information, amino acid conservation, physicochemical variation, residue mobility, and thermodynamic stability) performed at Invitae indicates that this missense variant is not expected to disrupt CLN8 protein function. In summary, the available evidence is currently insufficient to determine the role of this variant in disease. Therefore, it has been classified as a Variant of Uncertain Significance.

GeneDx
Classification: Uncertain significance. Last evaluated: 2014-08-11. Review status: criteria provided, single submitter. Criteria: GeneDx Variant Classification (06012015). Collection method: clinical testing. Allele origin: germline. Affected: yes.
Comment: p.Asp6His (GAT>CAT): c.16 G>C in exon 2 of the CLN8 gene (NM_018941.3): A variant of unknown significance has been identified in the CLN8 gene. The D6H variant has not been published as a mutation, nor has it been reported as a benign polymorphism to our knowledge. It was not observed in approximately 6,500 individuals of European and African American ancestry in the NHLBI Exome Sequencing Project, indicating it is not a common benign variant in these populations. The D6H variant is a non-conservative amino acid substitution, which is likely to impact secondary protein structure as these residues differ in polarity, charge, size and/or other properties. However, this substitution occurs at a position that is not conserved across species and in silico analysis is inconsistent in its predictions as to whether or not the variant is damaging to the protein structure/function. Therefore, based on the currently available information, it is unclear whether this variant is a pathogenic mutation or a rare benign variant. The finding of a single missense variant of unknown clinical significance makes the molecular diagnosis inconclusive.The variant is found in PME-EPI panel(s).

Natera, Inc.
Classification: Uncertain significance for Neuronal ceroid lipofuscinosis 8. Last evaluated: 2020-07-29. Review status: no assertion criteria provided. Collection method: clinical testing. Allele origin: germline. Not counted in ClinVar's aggregate classification.